The following is an entry in ClinVar:

NM_001148.6(ANK2):c.11032+17G>A

Gene: ANK2 (ankyrin 2; plus strand). Cytogenetic location: 4q26.
Variant type: single nucleotide variant.
Coding change: c.11032+17G>A on transcript NM_001148.6 (MANE Select); 17 bases into the intron after coding-DNA position 11032, G replaced by A.
Molecular consequence: intron variant.
Genome position (GRCh38, 1-based): chr4:113,365,199, G>A. VCF-style: chr4-113365199-G-A. GRCh37 (hg19) VCF-style: chr4-114286355-G-A.
Other names: c.4762+17G>A (NM_001386186.2, NM_001386148.2); c.4564+17G>A (NM_001354269.3); c.4642+17G>A (NM_001386187.2); c.4603+17G>A (NM_001386147.1); c.4621+17G>A (NM_001386160.1); c.4726+17G>A (NM_001354254.2); c.4747+17G>A (NM_001354239.2, NM_001354252.2); c.4648+17G>A (NM_001354272.2); and 35 more.
Identifiers: ClinVar variation 136395 (VCV000136395.6), dbSNP rs587780853, ClinGen allele CA289463.
Genomic context (GRCh38, chr4:113,365,199, plus strand): 5'-TTATGCAGAAATTGAACAGACCATTACACTGGATCATAGTGAAGGTCAAACTGTGTGTGT[G>A]TATGTGTGTGTGTGTGTGTGTGTGTGTGTGTGTTGTGTCTGTGTGTGGTTAATTGAGGCA-3'

ClinVar aggregate classification (germline): Benign/Likely benign. Review status: criteria provided, multiple submitters, no conflicts (2 of 4 stars). 3 submissions from 3 submitters: Benign (1); Likely benign (2). Last evaluated 2024-12-16.

Conditions:
Long QT syndrome (LQTS). Identifiers: MedGen C0023976, MeSH D008133, MONDO:0002442. Disease mechanism: loss of function. Inheritance: Various modes of inheritance.

Submissions (3):

Women's Health and Genetics/Laboratory Corporation of America, LabCorp
Classification: Likely benign. Last evaluated: 2024-12-16. Review status: criteria provided, single submitter. Criteria: LabCorp Variant Classification Summary - May 2015. Collection method: clinical testing. Allele origin: germline.
Comment: Variant summary: ANK2 c.11032+17G>A alters a non-conserved nucleotide located at a position not widely known to affect splicing. Consensus agreement among computation tools predict no significant impact on normal splicing (TrAP). However, these predictions have yet to be confirmed by functional studies. The variant allele was found at a frequency of 4.3e-06 in 233656 control chromosomes. The available data on variant occurrences in the general population are insufficient to allow any conclusion about variant significance. To our knowledge, no occurrence of c.11032+17G>A in individuals affected with Arrhythmia and no experimental evidence demonstrating its impact on protein function have been reported. ClinVar contains an entry for this variant (Variation ID: 136395). Based on the evidence outlined above, the variant was classified as likely benign.

Labcorp Genetics (formerly Invitae), Labcorp
Classification: Likely benign for Long QT syndrome. Last evaluated: 2024-09-18. Review status: criteria provided, single submitter. Criteria: Invitae Variant Classification Sherloc (09022015). Collection method: clinical testing. Allele origin: germline.

GeneDx
Classification: Benign. Last evaluated: 2013-08-14. Review status: criteria provided, single submitter. Criteria: GeneDx Variant Classification (06012015). Collection method: clinical testing. Allele origin: germline. Affected: yes.
Comment: This variant is considered likely benign or benign based on one or more of the following criteria: it is a conservative change, it occurs at a poorly conserved position in the protein, it is predicted to be benign by multiple in silico algorithms, and/or has population frequency not consistent with disease.